The following is an entry in ClinVar:

NM_001220.5(CAMK2B):c.831G>A (p.Thr277=)

Gene: CAMK2B (calcium/calmodulin dependent protein kinase II beta; minus strand). Cytogenetic location: 7p13.
Variant type: single nucleotide variant.
Coding change: c.831G>A on transcript NM_001220.5 (MANE Select); coding-DNA position 831, G replaced by A.
Protein change: p.Thr277=; no amino-acid change (threonine 277 retained).
Molecular consequence: synonymous variant.
Genome position (GRCh38, 1-based): chr7:44,241,772, C>T on the plus strand (G>A on the coding strand, the complement: CAMK2B is on the minus strand). VCF-style: chr7-44241772-C-T. GRCh37 (hg19) VCF-style: chr7-44281371-C-T.
Other names: c.831G>A, p.Thr277= (NM_001293170.2, NM_172078.3, NM_172079.3 and 5 more transcripts).
Identifiers: ClinVar variation 2967353 (VCV002967353.10), dbSNP rs779510696, ClinGen allele CA4240563.
Genomic context (GRCh38, chr7:44,241,772, plus strand): 5'-CCTGGCATTGAACTTTTTCAGACACTCCACAGTCTCCTGTCTGTGCATCATGGATGCTAC[C>T]GTGGAGCGTTGCTGTGGGGAAATGGGTGGTCATATGGCAGCCGAGCCCGAGGCACAGGGG-3'
Protein context (NP_001211.3, residues 267-287): LKHPWVCQRS[Thr277=]VASMMHRQET

ClinVar aggregate classification (germline): Likely benign. Review status: criteria provided, multiple submitters, no conflicts (2 of 4 stars). 2 submissions from 2 submitters: Likely benign (2). Last evaluated 2025-04-01.

Allele frequency attached by ClinVar (database versions not stated): gnomAD 0.00001; TOPMed 0.00001; ExAC 0.00002; gnomAD exomes 0.00003.
gnomAD v4.1: 51 of 1,613,026 alleles (0.0032%); highest among the groups gnomAD compares: Non-Finnish European, 0.0042%; no homozygotes.

Submissions (2):

CeGaT Center for Human Genetics Tuebingen
Classification: Likely benign. Last evaluated: 2025-04-01. Review status: criteria provided, single submitter. Criteria: CeGaT Center For Human Genetics Tuebingen Variant Classification Criteria Version 2. Collection method: clinical testing. Allele origin: germline. Affected: yes. Observed: 1 variant allele.
Comment: CAMK2B: BP4, BP7

Labcorp Genetics (formerly Invitae), Labcorp
Classification: Likely benign. Last evaluated: 2023-06-04. Review status: criteria provided, single submitter. Criteria: Invitae Variant Classification Sherloc (09022015). Collection method: clinical testing. Allele origin: germline.